The following is an entry in ClinVar:

NM_001013838.3(CARMIL2):c.415C>T (p.Arg139Trp)

Gene: CARMIL2 (capping protein regulator and myosin 1 linker 2; plus strand). Cytogenetic location: 16q22.1.
Variant type: single nucleotide variant.
Coding change: c.415C>T on transcript NM_001013838.3 (MANE Select); coding-DNA position 415, C replaced by T.
Protein change: p.Arg139Trp; replaces arginine 139 with tryptophan.
Molecular consequence: missense variant.
Genome position (GRCh38, 1-based): chr16:67,646,466, C>T. VCF-style: chr16-67646466-C-T. GRCh37 (hg19) VCF-style: chr16-67680369-C-T.
Other names: c.415C>T, p.Arg139Trp (NM_001317026.3); c.415C>T (NM_001013838.1); short protein forms R139W.
Identifiers: ClinVar variation 1391820 (VCV001391820.7), dbSNP rs778815940, ClinGen allele CA8113057.

ClinVar aggregate classification (germline): Uncertain significance (1 of 4 stars; one submission).

Conditions:
Severe combined immunodeficiency due to CARMIL2 deficiency. Also called: IMMUNODEFICIENCY 58. Identifiers: Orphanet 542301, MedGen C4748304, MONDO:0029134, OMIM 618131.

Allele frequency attached by ClinVar (database versions not stated): gnomAD exomes 0.00004; TOPMed 0.00006; gnomAD 0.00004 and 0.00003; ExAC 0.00006.
gnomAD v4.1: 45 of 1,613,482 alleles (0.0028%); highest among the groups gnomAD compares: South Asian, 0.011%; 1 homozygote.

Submission:

Labcorp Genetics (formerly Invitae), Labcorp
Classification: Uncertain significance. Last evaluated: 2024-05-06. Review status: criteria provided, single submitter. Criteria: Invitae Variant Classification Sherloc (09022015). Collection method: clinical testing. Allele origin: germline.
Comment: This sequence change replaces arginine, which is basic and polar, with tryptophan, which is neutral and slightly polar, at codon 139 of the CARMIL2 protein (p.Arg139Trp). This variant is present in population databases (rs778815940, gnomAD 0.02%). This variant has not been reported in the literature in individuals affected with CARMIL2-related conditions. ClinVar contains an entry for this variant (Variation ID: 1391820). Advanced modeling of protein sequence and biophysical properties (such as structural, functional, and spatial information, amino acid conservation, physicochemical variation, residue mobility, and thermodynamic stability) performed at Invitae indicates that this missense variant is not expected to disrupt CARMIL2 protein function with a negative predictive value of 80%. In summary, the available evidence is currently insufficient to determine the role of this variant in disease. Therefore, it has been classified as a Variant of Uncertain Significance.